The following is an entry in ClinVar:

ClinVar aggregate classification (germline): Uncertain significance (1 of 4 stars; one submission).

Conditions:
FADD-related immunodeficiency. Also called: Infections, recurrent, with encephalopathy, hepatic dysfunction, and cardiovascular malformations; FADD DEFICIENCY. Identifiers: Orphanet 306550, MedGen C3151062, MONDO:0013408, OMIM 613759.

Allele frequency attached by ClinVar (database versions not stated): gnomAD exomes below 0.00001; TOPMed below 0.00001; gnomAD 0.00001.

Submission:

Labcorp Genetics (formerly Invitae), Labcorp
Classification: Uncertain significance for FADD-related immunodeficiency. Last evaluated: 2022-08-23. Review status: criteria provided, single submitter. Criteria: Invitae Variant Classification Sherloc (09022015). Collection method: clinical testing. Allele origin: germline.
Comment: In summary, the available evidence is currently insufficient to determine the role of this variant in disease. Therefore, it has been classified as a Variant of Uncertain Significance. Algorithms developed to predict the effect of missense changes on protein structure and function output the following: SIFT: "Tolerated"; PolyPhen-2: "Benign"; Align-GVGD: "Class C0". The glycine amino acid residue is found in multiple mammalian species, which suggests that this missense change does not adversely affect protein function. This variant has not been reported in the literature in individuals affected with FADD-related conditions. This variant is not present in population databases (gnomAD no frequency). This sequence change replaces serine, which is neutral and polar, with glycine, which is neutral and non-polar, at codon 128 of the FADD protein (p.Ser128Gly).

NM_003824.4(FADD):c.382A>G (p.Ser128Gly)

Gene: FADD (Fas associated via death domain; plus strand). Cytogenetic location: 11q13.3.
Variant type: single nucleotide variant.
Coding change: c.382A>G on transcript NM_003824.4 (MANE Select); coding-DNA position 382, A replaced by G.
Protein change: p.Ser128Gly; replaces serine 128 with glycine.
Molecular consequence: missense variant.
Genome position (GRCh38, 1-based): chr11:70,206,228, A>G. VCF-style: chr11-70206228-A-G. GRCh37 (hg19) VCF-style: chr11-70052334-A-G.
Other names: short protein forms S128G.
Identifiers: ClinVar variation 1923265 (VCV001923265.5), dbSNP rs933860350, ClinGen allele CA223537550.